The following is an entry in ClinVar:

NM_003560.4(PLA2G6):c.2248T>C (p.Cys750Arg)

Gene: PLA2G6 (phospholipase A2 group VI; minus strand). Cytogenetic location: 22q13.1.
Variant type: single nucleotide variant.
Coding change: c.2248T>C on transcript NM_003560.4 (MANE Select); coding-DNA position 2248, T replaced by C.
Protein change: p.Cys750Arg; replaces cysteine 750 with arginine.
Molecular consequence: missense variant.
Genome position (GRCh38, 1-based): chr22:38,112,532, A>G on the plus strand (T>C on the coding strand, the complement: PLA2G6 is on the minus strand). VCF-style: chr22-38112532-A-G. GRCh37 (hg19) VCF-style: chr22-38508539-A-G.
Other names: c.2086T>C, p.Cys696Arg (NM_001004426.3, NM_001199562.3, NM_001349865.2 and 1 more transcripts); c.2248T>C, p.Cys750Arg (NM_001349864.2); c.1714T>C, p.Cys572Arg (NM_001349867.2); c.1570T>C, p.Cys524Arg (NM_001349868.2); c.1552T>C, p.Cys518Arg (NM_001349869.2); short protein forms C750R, C524R, C572R, C518R, C696R.
Identifiers: ClinVar variation 634589 (VCV000634589.6), dbSNP rs1569239288, ClinGen allele CA411523346.

ClinVar aggregate classification (germline): Uncertain significance. Review status: criteria provided, multiple submitters, no conflicts (2 of 4 stars). 2 submissions from 2 submitters: Uncertain significance (2). Last evaluated 2025-04-28.

Conditions:
Infantile neuroaxonal dystrophy (NBIA2A). Also called: SEITELBERGER DISEASE; NEURODEGENERATION WITH BRAIN IRON ACCUMULATION 2A; Infantile neuroaxonal dystrophy 1. Identifiers: Orphanet 35069, MedGen C0270724, MONDO:0024457, OMIM 256600.

Submissions (2):

Women's Health and Genetics/Laboratory Corporation of America, LabCorp
Classification: Uncertain significance. Last evaluated: 2025-04-28. Review status: criteria provided, single submitter. Criteria: LabCorp Variant Classification Summary - May 2015. Collection method: clinical testing. Allele origin: germline.
Comment: Variant summary: PLA2G6 c.2248T>C (p.Cys750Arg) results in a non-conservative amino acid change in the encoded protein sequence. Five of five in-silico tools predict a damaging effect of the variant on protein function. The variant was absent in 158244 control chromosomes. The available data on variant occurrences in the general population are insufficient to allow any conclusion about variant significance. c.2248T>C has been observed in one individual affected with Spinal Muscular Atrophy (Sharifi_2021). These data do not allow any conclusion about variant significance. To our knowledge, no experimental evidence demonstrating an impact on protein function has been reported. The following publication has been ascertained in the context of this evaluation (PMID: 33481221). ClinVar contains an entry for this variant (Variation ID: 634589). Based on the evidence outlined above, the variant was classified as uncertain significance.

Genomic Research Center, Shahid Beheshti University of Medical Sciences
Classification: Uncertain significance for Infantile neuroaxonal dystrophy. Last evaluated: 2019-01-01. Review status: criteria provided, single submitter. Criteria: ACMG Guidelines, 2015. Collection method: clinical testing. Allele origin: inherited. Affected: yes. Observed: 1 variant allele.

Literature cited by the submitters: PubMed 33481221 (cited by Women's Health and Genetics/Laboratory Corporation of America, LabCorp).